The following is an entry in ClinVar:

ClinVar aggregate classification (germline): Uncertain significance. Review status: criteria provided, multiple submitters, no conflicts (2 of 4 stars). 4 submissions from 4 submitters: Uncertain significance (4). Last evaluated 2024-07-30.

Conditions:
Cardiovascular phenotype. Identifiers: MedGen CN230736.
Autosomal recessive limb-girdle muscular dystrophy type 2J (LGMDR10). Also called: MUSCULAR DYSTROPHY, LIMB-GIRDLE, AUTOSOMAL RECESSIVE 10; Limb-girdle muscular dystrophy, type 2J. Identifiers: Orphanet 140922, MedGen C1837342, MONDO:0012127, OMIM 608807.
Tibial muscular dystrophy (TMD). Also called: Udd Distal Myopathy – Tibial Muscular Dystrophy; UDD MYOPATHY; Tibial muscular dystrophy, tardive. Identifiers: Orphanet 609, MedGen C1838244, MONDO:0010870, OMIM 600334.
Dilated cardiomyopathy 1G (CMD1G). Identifiers: Orphanet 154, MedGen C1858763, MONDO:0011400, OMIM 604145.
Early-onset myopathy with fatal cardiomyopathy (CMYO5). Also called: CONGENITAL MYOPATHY 5 WITH CARDIOMYOPATHY; Salih Myopathy. Identifiers: Orphanet 289377, MedGen C2673677, MONDO:0012714, OMIM 611705. Disease mechanism: loss of function.
Myopathy, myofibrillar, 9, with early respiratory failure (MFM9). Also called: EDSTROM MYOPATHY; MYOPATHY, PROXIMAL, WITH EARLY RESPIRATORY MUSCLE INVOLVEMENT; Hereditary myopathy with early respiratory failure; Myopathy, distal, with early respiratory failure, autosomal dominant. Identifiers: Orphanet 178464, Orphanet 34521, MedGen C1863599, MONDO:0011362, OMIM 603689.
Hypertrophic cardiomyopathy 9. Also called: Familial hypertrophic cardiomyopathy 9. Identifiers: MedGen C1861065, MONDO:0013412, OMIM 613765.

Allele frequency attached by ClinVar (database versions not stated): gnomAD 0.00001 and 0.00003.
gnomAD v4.1: 28 of 1,613,142 alleles (0.0017%); highest among the groups gnomAD compares: Middle Eastern, 0.016%; no homozygotes.

Submissions (4):

Revvity Omics, Revvity
Classification: Uncertain significance. Last evaluated: 2024-07-30. Review status: criteria provided, single submitter. Criteria: ACMG Guidelines, 2015. Collection method: clinical testing. Allele origin: germline.

Fulgent Genetics
Classification: Uncertain significance for Tibial muscular dystrophy; Myopathy, myofibrillar, 9, with early respiratory failure; Dilated cardiomyopathy 1G; Autosomal recessive limb-girdle muscular dystrophy type 2J; Early-onset myopathy with fatal cardiomyopathy; Hypertrophic cardiomyopathy 9. Last evaluated: 2021-10-18. Review status: criteria provided, single submitter. Criteria: ACMG Guidelines, 2015. Collection method: clinical testing. Allele origin: unknown.

Ambry Genetics
Classification: Uncertain significance for Cardiovascular phenotype. Last evaluated: 2019-01-17. Review status: criteria provided, single submitter. Criteria: Ambry Variant Classification Scheme 2023. Collection method: clinical testing. Allele origin: germline.
Comment: The p.D10035E variant (also known as c.30105T>G), located in coding exon 121 of the TTN gene, results from a T to G substitution at nucleotide position 30105. The aspartic acid at codon 10035 is replaced by glutamic acid, an amino acid with highly similar properties. This amino acid position is not well conserved in available vertebrate species, and glutamic acid is the reference amino acid in other vertebrate species. In addition, this alteration is predicted to be tolerated by in silico analysis. Since supporting evidence is limited at this time, the clinical significance of this alteration remains unclear.

Laboratory for Molecular Medicine, Mass General Brigham Personalized Medicine
Classification: Uncertain significance. Last evaluated: 2015-03-21. Review status: criteria provided, single submitter. Criteria: LMM Criteria. Collection method: clinical testing. Allele origin: germline. Observed: 1 variant allele.
Comment: Variant classified as Uncertain Significance - Favor Benign. The p.Asp16532Glu v ariant in TTN has not been previously reported in individuals with cardiomyopath y or in large population studies. Asparagine (Asp) is not conserved in evolution arily distant species and the change to glutamine (Glu) is present in >10 fish s pecies, raising the possibility that this change may be tolerated. Additional co mputational prediction tools suggest that this variant may not impact the protei n, though this information is not predictive enough to rule out pathogenicity. I n summary, while the clinical significance of the p.Asp16532Glu variant is uncer tain, the presence of the variant amino acid in multiple other species suggests that it is more likely to be benign.

NM_001267550.2(TTN):c.57300T>G (p.Asp19100Glu)

Genes: TTN (titin; minus strand), TTN-AS1 (TTN antisense RNA 1; plus strand). Cytogenetic location: 2q31.2.
Variant type: single nucleotide variant.
Coding change: c.57300T>G on transcript NM_001267550.2 (MANE Select); coding-DNA position 57300, T replaced by G.
Protein change: p.Asp19100Glu; replaces aspartic acid 19100 with glutamic acid.
Molecular consequence: missense variant.
Genome position (GRCh38, 1-based): chr2:178,597,782, A>C on the plus strand (T>G on the coding strand, the complement: TTN is on the minus strand). VCF-style: chr2-178597782-A-C. GRCh37 (hg19) VCF-style: chr2-179462509-A-C.
Other names: c.49596T>G, p.Asp16532Glu (NM_133378.4); c.52377T>G, p.Asp17459Glu (NM_001256850.1); c.30105T>G, p.Asp10035Glu (NM_003319.4); c.30480T>G, p.Asp10160Glu (NM_133432.3); c.30681T>G, p.Asp10227Glu (NM_133437.4); short protein forms D16532E, D19100E, D10160E, D10227E, D17459E, D10035E.
Identifiers: ClinVar variation 229470 (VCV000229470.9), dbSNP rs876658069, ClinGen allele CA10576511.